The following is an entry in ClinVar:

NC_000006.11:g.(?_76554594)_(76782205_?)del

Genes: IMPG1 (interphotoreceptor matrix proteoglycan 1; minus strand), MYO6 (myosin VI; plus strand). Cytogenetic location: 6q14.1.
Variant type: Deletion.
Identifiers: ClinVar variation 3246187 (VCV003246187.1).

ClinVar aggregate classification (germline): Pathogenic (1 of 4 stars; one submission).

Submission:

Labcorp Genetics (formerly Invitae), Labcorp
Classification: Pathogenic. Last evaluated: 2023-03-26. Review status: criteria provided, single submitter. Criteria: Invitae Variant Classification Sherloc (09022015). Collection method: clinical testing. Allele origin: unknown.
Comment: This variant disrupts a region of the MYO6 protein in which other variant(s) (p.Arg1204Trp) have been determined to be pathogenic (PMID: 23340379). This suggests that this is a clinically significant region of the protein, and that variants that disrupt it are likely to be disease-causing. For these reasons, this variant has been classified as Pathogenic. This variant has not been reported in the literature in individuals affected with MYO6-related conditions. This variant is a gross deletion of the genomic region encompassing exon(s) 10-35 of the MYO6 gene, which includes the termination codon. This deletion extends beyond the assayed region for this gene and therefore may encompass additional genes. While this deletion is not anticipated to lead to nonsense mediated decay, it is expected to alter mRNA translation or result in a truncated protein product.

Literature cited by the submitters: PubMed 23340379.